The following is an entry in ClinVar:

ClinVar aggregate classification (germline): Uncertain significance (1 of 4 stars; one submission).

Submission:

Labcorp Genetics (formerly Invitae), Labcorp
Classification: Uncertain significance. Last evaluated: 2022-09-09. Review status: criteria provided, single submitter. Criteria: Invitae Variant Classification Sherloc (09022015). Collection method: clinical testing. Allele origin: germline.
Comment: This sequence change falls in intron 2 of the USB1 gene. It does not directly change the encoded amino acid sequence of the USB1 protein. It affects a nucleotide within the consensus splice site. This variant is not present in population databases (gnomAD no frequency). This variant has not been reported in the literature in individuals affected with USB1-related conditions. Variants that disrupt the consensus splice site are a relatively common cause of aberrant splicing (PMID: 17576681, 9536098). Algorithms developed to predict the effect of sequence changes on RNA splicing suggest that this variant may disrupt the consensus splice site. In summary, the available evidence is currently insufficient to determine the role of this variant in disease. Therefore, it has been classified as a Variant of Uncertain Significance.

Literature cited by the submitters: PubMed 17576681; PubMed 9536098.

NM_024598.4(USB1):c.265+4A>G

Gene: USB1 (U6 snRNA biogenesis phosphodiesterase 1; plus strand). Cytogenetic location: 16q21.
Variant type: single nucleotide variant.
Coding change: c.265+4A>G on transcript NM_024598.4 (MANE Select); 4 bases into the intron after coding-DNA position 265, A replaced by G.
Molecular consequence: intron variant.
Genome position (GRCh38, 1-based): chr16:58,002,649, A>G. VCF-style: chr16-58002649-A-G. GRCh37 (hg19) VCF-style: chr16-58036553-A-G.
Other names: c.112+4A>G (NM_001330568.2); c.265+4A>G (NM_001195302.2, NM_001204911.2, NM_001330569.2).
Identifiers: ClinVar variation 2099012 (VCV002099012.4), dbSNP rs2544719973, ClinGen allele CA2580091737.
Genomic context (GRCh38, chr16:58,002,649, plus strand): 5'-GGGTGCGCACCTTCCCCCACGAGCGAGGCAACTGGGCCACCCACGTCTATGTACCATGTG[A>G]GTGATGTGTGAAAGGCAAGTTGCCAAGACCCATAGACCCGTAGGTGCCTCATGAAGGGCA-3'